The following is an entry in ClinVar:

ClinVar aggregate classification (germline): Uncertain significance. Review status: criteria provided, multiple submitters, no conflicts (2 of 4 stars). 3 submissions from 3 submitters: Uncertain significance (2). 1 of the submissions does not count toward it. Last evaluated 2026-05-12.

Conditions:
SEMA3A-related disorder. Also called: SEMA3A-related condition.
Inborn genetic diseases. Identifiers: MedGen C0950123, MeSH D030342.

gnomAD v4.1: 33 of 1,613,394 alleles (0.002%); highest among the groups gnomAD compares: Non-Finnish European, 0.0026%; no homozygotes.

Submissions (3):

Women's Health and Genetics/Laboratory Corporation of America, LabCorp
Classification: Uncertain significance. Last evaluated: 2026-05-12. Review status: criteria provided, single submitter. Criteria: LabCorp Variant Classification Summary - May 2015. Collection method: clinical testing. Allele origin: germline.

Ambry Genetics
Classification: Uncertain significance for Inborn genetic diseases. Last evaluated: 2025-08-07. Review status: criteria provided, single submitter. Criteria: Ambry Variant Classification Scheme 2023. Collection method: clinical testing. Allele origin: germline.

PreventionGenetics, part of Exact Sciences
Classification: Uncertain significance for SEMA3A-related condition. Last evaluated: 2024-05-01. Review status: no assertion criteria provided. Collection method: clinical testing. Allele origin: germline. Not counted in ClinVar's aggregate classification.
Comment: The SEMA3A c.1169A>T variant is predicted to result in the amino acid substitution p.Asp390Val. To our knowledge, this variant has not been reported in the literature or in a large population database, indicating this variant is rare. At this time, the clinical significance of this variant is uncertain due to the absence of conclusive functional and genetic evidence.

NM_006080.3(SEMA3A):c.1169A>T (p.Asp390Val)

Gene: SEMA3A (semaphorin 3A; minus strand). Cytogenetic location: 7q21.11.
Variant type: single nucleotide variant.
Coding change: c.1169A>T on transcript NM_006080.3 (MANE Select); coding-DNA position 1169, A replaced by T.
Protein change: p.Asp390Val; replaces aspartic acid 390 with valine.
Molecular consequence: missense variant.
Genome position (GRCh38, 1-based): chr7:84,005,530, T>A on the plus strand (A>T on the coding strand, the complement: SEMA3A is on the minus strand). VCF-style: chr7-84005530-T-A. GRCh37 (hg19) VCF-style: chr7-83634846-T-A.
Other names: short protein forms D390V.
Identifiers: ClinVar variation 3358414 (VCV003358414.3).